The following is an entry in ClinVar:

ClinVar aggregate classification (germline): Uncertain significance (1 of 4 stars; one submission).

Conditions:
Dilated cardiomyopathy 1O (CMD1O). Also called: CARDIOMYOPATHY, DILATED, WITH VENTRICULAR TACHYCARDIA. Identifiers: Orphanet 154, MedGen C1837839, MONDO:0012062, OMIM 608569.

Submission:

Labcorp Genetics (formerly Invitae), Labcorp
Classification: Uncertain significance for Dilated cardiomyopathy 1O. Last evaluated: 2022-12-23. Review status: criteria provided, single submitter. Criteria: Invitae Variant Classification Sherloc (09022015). Collection method: clinical testing. Allele origin: germline.
Comment: This variant has not been reported in the literature in individuals affected with ABCC9-related conditions. This variant is not present in population databases (gnomAD no frequency). This sequence change falls in intron 3 of the ABCC9 gene. It does not directly change the encoded amino acid sequence of the ABCC9 protein. It affects a nucleotide within the consensus splice site. Variants that disrupt the consensus splice site are a relatively common cause of aberrant splicing (PMID: 17576681, 9536098). Algorithms developed to predict the effect of sequence changes on RNA splicing suggest that this variant may disrupt the consensus splice site. In summary, the available evidence is currently insufficient to determine the role of this variant in disease. Therefore, it has been classified as a Variant of Uncertain Significance.

Literature cited by the submitters: PubMed 17576681; PubMed 9536098.

NM_020297.4(ABCC9):c.406+3A>C

Gene: ABCC9 (ATP binding cassette subfamily C member 9; minus strand). Cytogenetic location: 12p12.1.
Variant type: single nucleotide variant.
Coding change: c.406+3A>C on transcript NM_020297.4 (MANE Select); 3 bases into the intron after coding-DNA position 406, A replaced by C.
Molecular consequence: intron variant.
Genome position (GRCh38, 1-based): chr12:21,925,939, T>G on the plus strand (A>C on the coding strand, the complement: ABCC9 is on the minus strand). VCF-style: chr12-21925939-T-G. GRCh37 (hg19) VCF-style: chr12-22078873-T-G.
Other names: c.-49+3A>C (NM_001377274.1); c.406+3A>C (NM_005691.4, NM_001377273.1).
Identifiers: ClinVar variation 2730567 (VCV002730567.3), dbSNP rs2541827237, ClinGen allele CA2697559127.